The following is an entry in ClinVar:

NM_000501.4(ELN):c.1577-2A>T

Genes: ELN (elastin; plus strand), ELN-AS1 (ELN antisense RNA 1; minus strand). Cytogenetic location: 7q11.23.
Variant type: single nucleotide variant.
Coding change: c.1577-2A>T on transcript NM_000501.4 (MANE Select); the canonical splice acceptor site of the intron before coding-DNA position 1577, A replaced by T.
Molecular consequence: splice acceptor variant. On other transcripts: intron variant (1).
Genome position (GRCh38, 1-based): chr7:74,060,138, A>T. VCF-style: chr7-74060138-A-T. GRCh37 (hg19) VCF-style: chr7-73474468-A-T.
Other names: c.1592-2A>T (NM_001081754.3); c.1535-2A>T (NM_001081753.3); c.1664-2A>T (NM_001278939.2); c.1595-2A>T (NM_001278915.2); c.1577-2A>T (NM_001278912.2); c.1520-2A>T (NM_001081755.3); c.1477+91A>T (NM_001278916.2); c.1334-2A>T (NM_001278913.2); and 4 more.
Identifiers: ClinVar variation 1327646 (VCV001327646.10), dbSNP rs1230920104, ClinGen allele CA367885761.

ClinVar aggregate classification (germline): Conflicting classifications of pathogenicity. Review status: criteria provided, conflicting classifications (1 of 4 stars). 2 submissions from 2 submitters: Likely pathogenic (1); Uncertain significance (1). Last evaluated 2025-10-14.

Conditions:
Supravalvar aortic stenosis (SVAS). Also called: Supravalvar aortic stenosis, Eisenberg type. Identifiers: Orphanet 3193, MedGen C0003499, MONDO:0008504, OMIM 185500, HP:0004381.

Allele frequency attached by ClinVar (database versions not stated): gnomAD exomes below 0.00001; TOPMed below 0.00001; gnomAD 0.00001.
gnomAD v4.1: 4 of 1,613,916 alleles (0.00025%); highest among the groups gnomAD compares: Middle Eastern, 0.016%; no homozygotes.

Submissions (2):

GeneDx
Classification: Uncertain significance. Last evaluated: 2025-10-14. Review status: criteria provided, single submitter. Criteria: GeneDx Variant Classification Process June 2021. Collection method: clinical testing. Allele origin: germline. Affected: yes.
Comment: Reported in a child with ischemic stroke and internal carotid artery stenosis (PMID: 40650005); Not observed at significant frequency in large population cohorts (gnomAD); Canonical splice site variant with an unclear effect on protein function; This variant is associated with the following publications: (PMID: 40650005)

Labcorp Genetics (formerly Invitae), Labcorp
Classification: Likely pathogenic for Supravalvar aortic stenosis. Last evaluated: 2022-05-18. Review status: criteria provided, single submitter. Criteria: Invitae Variant Classification Sherloc (09022015). Collection method: clinical testing. Allele origin: germline.
Comment: In summary, the currently available evidence indicates that the variant is pathogenic, but additional data are needed to prove that conclusively. Therefore, this variant has been classified as Likely Pathogenic. Algorithms developed to predict the effect of sequence changes on RNA splicing suggest that this variant may disrupt the consensus splice site. ClinVar contains an entry for this variant (Variation ID: 1327646). This variant has not been reported in the literature in individuals affected with ELN-related conditions. This variant is not present in population databases (gnomAD no frequency). This sequence change affects an acceptor splice site in intron 24 of the ELN gene. It is expected to disrupt RNA splicing. Variants that disrupt the donor or acceptor splice site typically lead to a loss of protein function (PMID: 16199547), and loss-of-function variants in ELN are known to be pathogenic (PMID: 11175284).

Literature cited by the submitters: PubMed 16199547 (cited by Labcorp Genetics (formerly Invitae), Labcorp); PubMed 11175284 (cited by Labcorp Genetics (formerly Invitae), Labcorp).